The following is an entry in ClinVar:

NM_032040.5(CCDC8):c.1301C>G (p.Ala434Gly)

Gene: CCDC8 (coiled-coil domain containing 8 subunit of 3M complex; minus strand). Cytogenetic location: 19q13.32.
Variant type: single nucleotide variant.
Coding change: c.1301C>G on transcript NM_032040.5 (MANE Select); coding-DNA position 1301, C replaced by G.
Protein change: p.Ala434Gly; replaces alanine 434 with glycine.
Molecular consequence: missense variant.
Genome position (GRCh38, 1-based): chr19:46,411,510, G>C on the plus strand (C>G on the coding strand, the complement: CCDC8 is on the minus strand). VCF-style: chr19-46411510-G-C. GRCh37 (hg19) VCF-style: chr19-46914767-G-C.
Other names: short protein forms A434G.
Identifiers: ClinVar variation 1513074 (VCV001513074.5), dbSNP rs1463400848, ClinGen allele CA406459235.
Genomic context (GRCh38, chr19:46,411,510, plus strand): 5'-GCTTCCTGGATACCTGGGGCCCCTGCCCTCTGATTATGTGCAGCCTCTGCCCTCTGGCCA[G>C]CCCGGGCCTGTGCCCTCTGATTATCTGCACCCTGGACAGCTGGGGCCCTTTCCCTCTGGT-3'
Protein context (NP_114429.2, residues 424-444): GADNQRAQAR[Ala434Gly]GQRAEAAHNQ

ClinVar aggregate classification (germline): Uncertain significance (1 of 4 stars; one submission).

Allele frequency attached by ClinVar (database versions not stated): gnomAD exomes below 0.00001.
gnomAD v4.1: 1 of 1,611,752 alleles (0.000062%); no homozygotes.

Submission:

Labcorp Genetics (formerly Invitae), Labcorp
Classification: Uncertain significance. Last evaluated: 2024-02-17. Review status: criteria provided, single submitter. Criteria: Invitae Variant Classification Sherloc (09022015). Collection method: clinical testing. Allele origin: germline.
Comment: This sequence change replaces alanine, which is neutral and non-polar, with glycine, which is neutral and non-polar, at codon 434 of the CCDC8 protein (p.Ala434Gly). This variant is present in population databases (no rsID available, gnomAD no frequency). This variant has not been reported in the literature in individuals affected with CCDC8-related conditions. ClinVar contains an entry for this variant (Variation ID: 1513074). Algorithms developed to predict the effect of missense changes on protein structure and function output the following: SIFT: "Not Available"; PolyPhen-2: "Possibly Damaging"; Align-GVGD: "Not Available". The glycine amino acid residue is found in multiple mammalian species, which suggests that this missense change does not adversely affect protein function. In summary, the available evidence is currently insufficient to determine the role of this variant in disease. Therefore, it has been classified as a Variant of Uncertain Significance.